The following is an entry in ClinVar:

ClinVar aggregate classification (germline): Conflicting classifications of pathogenicity. Review status: criteria provided, conflicting classifications (1 of 4 stars). 3 submissions from 3 submitters: Likely pathogenic (1); Uncertain significance (1). 1 of the submissions does not count toward it. Last evaluated 2023-02-14.

Conditions:
Pancytopenia due to IKZF1 mutations. Also called: Immunodeficiency, common variable, 13. Identifiers: Orphanet 317473, MedGen C4225173, MONDO:0014810, OMIM 616873.

Submissions (3):

GeneDx
Classification: Likely pathogenic. Last evaluated: 2023-02-14. Review status: criteria provided, single submitter. Criteria: GeneDx Variant Classification Process June 2021. Collection method: clinical testing. Allele origin: germline. Affected: yes.
Comment: Not observed at significant frequency in large population cohorts (gnomAD); In silico analysis supports that this missense variant has a deleterious effect on protein structure/function; A different missense change at this residue (R162W) has been reported in association with IKZF1-related immune disorder and/or hematologic disease (Hoshino et al., 2016; Winer et al., 2020); This variant is associated with the following publications: (PMID: 35853737, 29461212, 27316315, 26981933, 27939403, 10970879, 32084258)

Labcorp Genetics (formerly Invitae), Labcorp
Classification: Uncertain significance. Last evaluated: 2022-12-02. Review status: criteria provided, single submitter. Criteria: Invitae Variant Classification Sherloc (09022015). Collection method: clinical testing. Allele origin: germline.
Comment: This variant disrupts the Arg162 amino acid residue in IKZF1. Other variant(s) that disrupt this residue have been determined to be pathogenic (PMID: 26981933). This suggests that this residue is clinically significant, and that variants that disrupt this residue are likely to be disease-causing. Experimental studies have shown that this missense change affects IKZF1 function (PMID: 26981933). Algorithms developed to predict the effect of variants on protein structure and function are not available or were not evaluated for this variant. ClinVar contains an entry for this variant (Variation ID: 224778). This missense change has been observed in individual(s) with clinical features of IKZF1-related conditions (PMID: 26981933). This variant is not present in population databases (gnomAD no frequency). This sequence change replaces arginine, which is basic and polar, with leucine, which is neutral and non-polar, at codon 162 of the IKZF1 protein (p.Arg162Leu). In summary, the available evidence is currently insufficient to determine the role of this variant in disease. Therefore, it has been classified as a Variant of Uncertain Significance.

OMIM
Classification: Pathogenic for IMMUNODEFICIENCY, COMMON VARIABLE, 13. Last evaluated: 2016-08-25. Review status: no assertion criteria provided. Collection method: literature only. Allele origin: germline. Not counted in ClinVar's aggregate classification.

Literature cited by the submitters: PubMed 26981933 (cited by Labcorp Genetics (formerly Invitae), Labcorp and OMIM).

NM_006060.6(IKZF1):c.485G>T (p.Arg162Leu)

Gene: IKZF1 (IKAROS family zinc finger 1; plus strand). Cytogenetic location: 7p12.2.
Variant type: single nucleotide variant.
Coding change: c.485G>T on transcript NM_006060.6 (MANE Select); coding-DNA position 485, G replaced by T.
Protein change: p.Arg162Leu; replaces arginine 162 with leucine.
Molecular consequence: missense variant. On other transcripts: intron variant (6).
Genome position (GRCh38, 1-based): chr7:50,382,603, G>T. VCF-style: chr7-50382603-G-T. GRCh37 (hg19) VCF-style: chr7-50450301-G-T.
Other names: c.485G>T, p.Arg162Leu (NM_001220765.3, NM_001220768.2, NM_001291837.2); c.224G>T, p.Arg75Leu (NM_001220767.2, NM_001220770.2, NM_001291838.2 and 1 more transcripts); c.421+5810G>T (NM_001220771.2); c.161-4742G>T (NM_001291841.1, NM_001291842.1); c.161-9126G>T (NM_001291843.1, NM_001291844.1); c.161-17315G>T (NM_001291840.1); short protein forms R162L, R75L.
Identifiers: ClinVar variation 224778 (VCV000224778.7), dbSNP rs770551610, ClinGen allele CA353698.
Genomic context (GRCh38, chr7:50,382,603, plus strand): 5'-AACGGCCCTTCCAGTGCAATCAGTGCGGGGCCTCATTCACCCAGAAGGGCAACCTGCTCC[G>T]GCACATCAAGCTGCATTCCGGGGAGAAGCCCTTCAAATGCCACCTCTGCAACTACGCCTG-3'
Protein context (NP_006051.1, residues 152-172): ASFTQKGNLL[Arg162Leu]HIKLHSGEKP